The following is an entry in ClinVar:

ClinVar aggregate classification (germline): Uncertain significance. Review status: criteria provided, multiple submitters, no conflicts (2 of 4 stars). 2 submissions from 2 submitters: Uncertain significance (2). Last evaluated 2023-07-11.

Conditions:
Hereditary cancer-predisposing syndrome. Also called: Hereditary Cancer Syndrome; Hereditary neoplastic syndrome; Tumor predisposition; Neoplastic Syndromes, Hereditary. Identifiers: Orphanet 140162, MedGen C0027672, MeSH D009386, MONDO:0015356.

Submissions (2):

Labcorp Genetics (formerly Invitae), Labcorp
Classification: Uncertain significance. Last evaluated: 2023-07-11. Review status: criteria provided, single submitter. Criteria: Invitae Variant Classification Sherloc (09022015). Collection method: clinical testing. Allele origin: germline.
Comment: In summary, the available evidence is currently insufficient to determine the role of this variant in disease. Therefore, it has been classified as a Variant of Uncertain Significance. An algorithm developed to predict the effect of missense changes on protein structure and function (PolyPhen-2) suggests that this variant is likely to be tolerated. This sequence change replaces threonine, which is neutral and polar, with serine, which is neutral and polar, at codon 8 of the HOXB13 protein (p.Thr8Ser). ClinVar contains an entry for this variant (Variation ID: 1790703). This variant has not been reported in the literature in individuals affected with HOXB13-related conditions. This variant is not present in population databases (gnomAD no frequency).

Ambry Genetics
Classification: Uncertain significance for Hereditary cancer-predisposing syndrome. Last evaluated: 2022-06-11. Review status: criteria provided, single submitter. Criteria: Ambry Variant Classification Scheme 2023. Collection method: clinical testing. Allele origin: germline.
Comment: The p.T8S variant (also known as c.23C>G), located in coding exon 1 of the HOXB13 gene, results from a C to G substitution at nucleotide position 23. The threonine at codon 8 is replaced by serine, an amino acid with similar properties. This amino acid position is conserved. In addition, this alteration is predicted to be tolerated by in silico analysis. Since supporting evidence is limited at this time, the clinical significance of this alteration remains unclear.

NM_006361.6(HOXB13):c.23C>G (p.Thr8Ser)

Gene: HOXB13 (homeobox B13; minus strand). Cytogenetic location: 17q21.32.
Variant type: single nucleotide variant.
Coding change: c.23C>G on transcript NM_006361.6 (MANE Select); coding-DNA position 23, C replaced by G.
Protein change: p.Thr8Ser; replaces threonine 8 with serine.
Molecular consequence: missense variant.
Genome position (GRCh38, 1-based): chr17:48,728,571, G>C on the plus strand (C>G on the coding strand, the complement: HOXB13 is on the minus strand). VCF-style: chr17-48728571-G-C. GRCh37 (hg19) VCF-style: chr17-46805933-G-C.
Other names: short protein forms T8S.
Identifiers: ClinVar variation 1790703 (VCV001790703.8), dbSNP rs747307642, ClinGen allele CA400109914.